The following is an entry in ClinVar:

NM_000254.3(MTR):c.3500G>A (p.Arg1167Gln)

Gene: MTR (5-methyltetrahydrofolate-homocysteine methyltransferase; plus strand). Cytogenetic location: 1q43.
Variant type: single nucleotide variant.
Coding change: c.3500G>A on transcript NM_000254.3 (MANE Select); coding-DNA position 3500, G replaced by A.
Protein change: p.Arg1167Gln; replaces arginine 1167 with glutamine.
Molecular consequence: missense variant.
Genome position (GRCh38, 1-based): chr1:236,895,452, G>A. VCF-style: chr1-236895452-G-A. GRCh37 (hg19) VCF-style: chr1-237058752-G-A.
Other names: c.3347G>A, p.Arg1116Gln (NM_001291939.1); c.2279G>A, p.Arg760Gln (NM_001291940.2); short protein forms R1167Q, R1116Q, R760Q.
Identifiers: ClinVar variation 296580 (VCV000296580.9), dbSNP rs556429682, ClinGen allele CA1474719.

ClinVar aggregate classification (germline): Uncertain significance. Review status: criteria provided, multiple submitters, no conflicts (2 of 4 stars). 4 submissions from 4 submitters: Uncertain significance (4). Last evaluated 2024-07-19.

Conditions:
Disorders of Intracellular Cobalamin Metabolism. Identifiers: MedGen CN043592.
Methylcobalamin deficiency type cblG (HMAG). Also called: HOMOCYSTINURIA-MEGALOBLASTIC ANEMIA, cblG TYPE; HOMOCYSTINURIA-MEGALOBLASTIC ANEMIA, cblG COMPLEMENTATION TYPE; Functional methionine synthase deficiency type cblG; HOMOCYSTINURIA-MEGALOBLASTIC ANEMIA DUE TO DEFECT IN COBALAMIN METABOLISM, cblG COMPLEMENTATION TYPE. Identifiers: Orphanet 2170, Orphanet 622, MedGen C1855128, MONDO:0009609, OMIM 250940.

Allele frequency attached by ClinVar (database versions not stated): gnomAD 0.00003 and 0.00004; TOPMed 0.00006; gnomAD exomes 0.00008 and 0.00009; ExAC 0.00012.
gnomAD v4.1: 138 of 1,600,804 alleles (0.0086%); highest among the groups gnomAD compares: Non-Finnish European, 0.011%; no homozygotes.

Submissions (4):

Blueprint Genetics
Classification: Uncertain significance. Last evaluated: 2024-07-19. Review status: criteria provided, single submitter. Criteria: ACMG Guidelines, 2015. Collection method: clinical testing. Allele origin: germline.

Labcorp Genetics (formerly Invitae), Labcorp
Classification: Uncertain significance for Methylcobalamin deficiency type cblG. Last evaluated: 2021-12-02. Review status: criteria provided, single submitter. Criteria: Invitae Variant Classification Sherloc (09022015). Collection method: clinical testing. Allele origin: germline.
Comment: This sequence change replaces arginine, which is basic and polar, with glutamine, which is neutral and polar, at codon 1167 of the MTR protein (p.Arg1167Gln). This variant is present in population databases (rs556429682, gnomAD 0.01%). This variant has not been reported in the literature in individuals affected with MTR-related conditions. ClinVar contains an entry for this variant (Variation ID: 296580). Algorithms developed to predict the effect of missense changes on protein structure and function are either unavailable or do not agree on the potential impact of this missense change (SIFT: "Deleterious"; PolyPhen-2: "Benign"; Align-GVGD: "Class C0"). In summary, the available evidence is currently insufficient to determine the role of this variant in disease. Therefore, it has been classified as a Variant of Uncertain Significance.

GeneDx
Classification: Uncertain significance. Last evaluated: 2019-05-30. Review status: criteria provided, single submitter. Criteria: GeneDx Variant Classification Process June 2021. Collection method: clinical testing. Allele origin: germline. Affected: yes.
Comment: Not observed at a significant frequency in large population cohorts (Lek et al., 2016); In silico analysis, which includes protein predictors and evolutionary conservation, supports that this variant does not alter protein structure/function; Has not been previously published as pathogenic or benign to our knowledge

Illumina Laboratory Services, Illumina
Classification: Uncertain significance for Disorders of Intracellular Cobalamin Metabolism. Last evaluated: 2018-01-13. Review status: criteria provided, single submitter. Criteria: ICSL Variant Classification Criteria 13 December 2019. Collection method: clinical testing. Allele origin: germline.